The following is an entry in ClinVar:

NM_001243177.4(ALDOA):c.181G>A (p.Ala61Thr)

Genes: ALDOA (aldolase, fructose-bisphosphate A; plus strand), LOC112694756 (uncharaterized LOC112694756; plus strand). Cytogenetic location: 16p11.2.
Variant type: single nucleotide variant.
Coding change: c.181G>A on transcript NM_001243177.4 (MANE Select); coding-DNA position 181, G replaced by A.
Protein change: p.Ala61Thr; replaces alanine 61 with threonine.
Molecular consequence: missense variant. On other transcripts: 3 prime UTR variant (3).
Genome position (GRCh38, 1-based): chr16:30,067,273, G>A. VCF-style: chr16-30067273-G-A. GRCh37 (hg19) VCF-style: chr16-30078594-G-A.
Other names: c.*528G>A (NM_001365304.2, NM_001365305.2, NM_001365307.2); c.19G>A, p.Ala7Thr (NM_001127617.2, NM_184041.5, NM_184043.2); short protein forms A61T, A7T.
Identifiers: ClinVar variation 2077603 (VCV002077603.1), dbSNP rs150003720, ClinGen allele CA8000844.

ClinVar aggregate classification (germline): Uncertain significance (1 of 4 stars; one submission).

Conditions:
HNSHA due to aldolase A deficiency (GSD12). Also called: GLYCOGEN STORAGE DISEASE XII; GSD XII; RED CELL ALDOLASE DEFICIENCY; Glycogen storage disease due to aldolase A deficiency. Identifiers: Orphanet 57, MedGen C0272066, MONDO:0012747, OMIM 611881.

Allele frequency attached by ClinVar (database versions not stated): ExAC 0.00004; gnomAD 0.00005; ESP Exome Variant Server 0.00008; TOPMed 0.00009.
gnomAD v4.1: 95 of 1,612,328 alleles (0.0059%); highest among the groups gnomAD compares: Admixed American, 0.037%; no homozygotes.

Submission:

Labcorp Genetics (formerly Invitae), Labcorp
Classification: Uncertain significance for HNSHA due to aldolase A deficiency. Last evaluated: 2022-04-25. Review status: criteria provided, single submitter. Criteria: Invitae Variant Classification Sherloc (09022015). Collection method: clinical testing. Allele origin: germline.
Comment: This sequence change replaces alanine, which is neutral and non-polar, with threonine, which is neutral and polar, at codon 7 of the ALDOA protein (p.Ala7Thr). This variant is present in population databases (rs150003720, gnomAD 0.03%). This variant has not been reported in the literature in individuals affected with ALDOA-related conditions. Algorithms developed to predict the effect of missense changes on protein structure and function (SIFT, PolyPhen-2, Align-GVGD) all suggest that this variant is likely to be tolerated. In summary, the available evidence is currently insufficient to determine the role of this variant in disease. Therefore, it has been classified as a Variant of Uncertain Significance.